The following is an entry in ClinVar:

NM_014753.4(BMS1):c.737C>T (p.Pro246Leu)

Gene: BMS1 (BMS1 ribosome biogenesis factor; plus strand). Cytogenetic location: 10q11.21.
Variant type: single nucleotide variant.
Coding change: c.737C>T on transcript NM_014753.4 (MANE Select); coding-DNA position 737, C replaced by T.
Protein change: p.Pro246Leu; replaces proline 246 with leucine.
Molecular consequence: missense variant.
Genome position (GRCh38, 1-based): chr10:42,791,727, C>T. VCF-style: chr10-42791727-C-T. GRCh37 (hg19) VCF-style: chr10-43287175-C-T.
Other names: short protein forms P246L.
Identifiers: ClinVar variation 3043996 (VCV003043996.3), dbSNP rs116522292, ClinGen allele CA5475505.

ClinVar aggregate classification (germline): Likely benign. Review status: criteria provided, single submitter (1 of 4 stars). 2 submissions from 2 submitters: Likely benign (1). 1 of the submissions does not count toward it. Last evaluated 2024-11-13.

Conditions:
BMS1-related disorder. Also called: BMS1-related condition.

Allele frequency attached by ClinVar (database versions not stated): ESP Exome Variant Server 0.00054; ExAC 0.00436; 1000 Genomes Project 30x 0.00968.

Submissions (2):

Blueprint Genetics
Classification: Likely benign. Last evaluated: 2024-11-13. Review status: criteria provided, single submitter. Criteria: ACMG Guidelines, 2015. Collection method: clinical testing. Allele origin: germline.

PreventionGenetics, part of Exact Sciences
Classification: Likely benign for BMS1-related condition. Last evaluated: 2020-06-12. Review status: no assertion criteria provided. Collection method: clinical testing. Allele origin: germline. Not counted in ClinVar's aggregate classification.
Comment: This variant is classified as likely benign based on ACMG/AMP sequence variant interpretation guidelines (Richards et al. 2015 PMID: 25741868, with internal and published modifications).